The following is an entry in ClinVar:

NM_053025.4(MYLK):c.4819G>A (p.Gly1607Ser)

Gene: MYLK (myosin light chain kinase; minus strand). Cytogenetic location: 3q21.1.
Variant type: single nucleotide variant.
Coding change: c.4819G>A on transcript NM_053025.4 (MANE Select); coding-DNA position 4819, G replaced by A.
Protein change: p.Gly1607Ser; replaces glycine 1607 with serine.
Molecular consequence: missense variant.
Genome position (GRCh38, 1-based): chr3:123,640,305, C>T on the plus strand (G>A on the coding strand, the complement: MYLK is on the minus strand). VCF-style: chr3-123640305-C-T. GRCh37 (hg19) VCF-style: chr3-123359152-C-T.
Other names: c.4291G>A, p.Gly1431Ser (NM_001321309.2); c.4612G>A, p.Gly1538Ser (NM_053026.4, NM_053028.4); c.4819G>A, p.Gly1607Ser (NM_053027.4); short protein forms G1431S, G1538S, G1607S.
Identifiers: ClinVar variation 3338114 (VCV003338114.2).

ClinVar aggregate classification (germline): Likely pathogenic (1 of 4 stars; one submission).

Conditions:
Aortic aneurysm, familial thoracic 7 (AAT7). Also called: AORTIC DISSECTION, FAMILIAL, WITH OR WITHOUT AORTIC ANEURYSM. Identifiers: MedGen C3151077, MONDO:0013418, OMIM 613780.

Submission:

Department of Cardiovascular Medicine, The University of Tokyo, Graduate School of Medicine
Classification: Likely pathogenic for Aortic aneurysm, familial thoracic 7. Last evaluated: 2023-07-12. Review status: criteria provided, single submitter. Criteria: ACMG Guidelines, 2015. Collection method: clinical testing. Allele origin: de novo. Affected: yes. Observed: 1 heterozygote. Segregation with disease not observed.
Comment: A case report (PMID: 39185084) identified this missense variant in MYLK associated with nonsyndromic thoracic aortic aneurysm and dissection through segregation analysis. Wang et al. (PMID 21055718) reported that individuals from two unrelated families harboring variants in the MYLK gene developed thoracic aortic dissection. The MYLK encodes myosin light chain kinase (MLCK), which is expressed in smooth muscle cells and phosphorylates the regulatory light chain, and this missense variant is located in the MLCK kinase domain (PMID21055718; PMID29544503, PM1). This variant is absent in the databases, including gnomAD and Tohoku Megabank Database (PM2_supporting). In silico analysis reveals high pathogenicity scores, with a CADD score of 28.6 and a PolyPhen2 score of 0.977 (PP3). However, paternity and maternity were not confirmed, and while the aortic dissection phenotype is consistent with the gene variant, it is not highly specific(PM6_supporting). It is established that nonsyndromic hereditary thoracic aortic aneurysm and dissection can result from a monogenic variant (PMID: 30071989, PP4)

Literature cited by the submitters: PubMed 39185084; PubMed 21055718; PubMed 29544503; PubMed 30071989.